The following is an entry in ClinVar:

NM_014251.3(SLC25A13):c.1841+1G>T

Gene: SLC25A13 (solute carrier family 25 member 13; minus strand). Cytogenetic location: 7q21.3.
Variant type: single nucleotide variant.
Coding change: c.1841+1G>T on transcript NM_014251.3 (MANE Select); the canonical splice donor site of the intron after coding-DNA position 1841, G replaced by T.
Molecular consequence: splice donor variant.
Genome position (GRCh38, 1-based): chr7:96,121,654, C>A on the plus strand (G>T on the coding strand, the complement: SLC25A13 is on the minus strand). VCF-style: chr7-96121654-C-A. GRCh37 (hg19) VCF-style: chr7-95750966-C-A.
Other names: c.1841+1G>T (NM_014251.2); c.1844+1G>T (NM_001160210.2).
Identifiers: ClinVar variation 2678815 (VCV002678815.3), dbSNP rs766044536, ClinGen allele CA4352773.

ClinVar aggregate classification (germline): Conflicting classifications of pathogenicity. Review status: criteria provided, conflicting classifications (1 of 4 stars). 2 submissions from 2 submitters: Likely pathogenic (1); Uncertain significance (1). Last evaluated 2025-09-14.

Conditions:
Citrullinemia, type II, adult-onset (CDAA). Also called: CITRIN DEFICIENCY, ADOLESCENT OR ADULT ONSET. Identifiers: Orphanet 247585, MedGen CN295299, MONDO:0011326, OMIM 603471.
SLC25A13-related disorder. Also called: SLC25A13-related condition.

Allele frequency attached by ClinVar (database versions not stated): ExAC 0.00001; TOPMed 0.00001; gnomAD 0.00003.
gnomAD v4.1: 5 of 1,613,960 alleles (0.00031%); highest among the groups gnomAD compares: African/African-American, 0.0053%; no homozygotes.

Submissions (2):

PreventionGenetics, part of Exact Sciences
Classification: Uncertain significance for SLC25A13-related condition. Last evaluated: 2025-09-14. Review status: criteria provided, single submitter. Criteria: ACMG Guidelines, 2015. Collection method: clinical testing. Allele origin: germline.
Comment: The SLC25A13 c.1841+1G>T variant is predicted to disrupt the GT donor site and interfere with normal splicing. To our knowledge, this variant has not been reported in the literature in individuals affected with SLC25A13-related conditions. This variant is reported in 0.011% of alleles in individuals of African descent in gnomAD and is classified as likely pathogenic in ClinVar (Variation ID: 2678815). Loss-of-function variants in SLC25A13 are expected to be pathogenic; however, this variant occurs in the last intron of the SLC25A13 gene and is not expected to trigger nonsense mediated decay. Although we suspect that this variant may be pathogenic, at this time, the clinical significance of this variant is uncertain due to the absence of conclusive functional and genetic evidence.

Baylor Genetics
Classification: Likely pathogenic for Citrullinemia, type II, adult-onset. Last evaluated: 2023-11-04. Review status: criteria provided, single submitter. Criteria: ACMG Guidelines, 2015. Collection method: clinical testing. Allele origin: unknown.